The following is an entry in ClinVar:

ClinVar aggregate classification (germline): Uncertain significance. Review status: criteria provided, multiple submitters, no conflicts (2 of 4 stars). 2 submissions from 2 submitters: Uncertain significance (2). Last evaluated 2025-04-07.

Conditions:
Cockayne syndrome. Identifiers: Orphanet 191, MedGen C0009207, MONDO:0016006.
Xeroderma pigmentosum, group F (XPF). Also called: XERODERMA PIGMENTOSUM VI; XP, GROUP F; XERODERMA PIGMENTOSUM, COMPLEMENTATION GROUP F; ERCC4-Related Xeroderma Pigmentosum; XERODERMA PIGMENTOSUM, TYPE F; Xeroderma pigmentosum, type 6. Identifiers: MedGen C0268140, MONDO:0010215, OMIM 278760.
Fanconi anemia complementation group Q. Identifiers: Orphanet 84, MedGen C3808988, MONDO:0014108, OMIM 615272.
XFE progeroid syndrome (XFEPS). Also called: XPF-ERCC1 PROGEROID SYNDROME. Identifiers: MedGen C1970416, MONDO:0012590, OMIM 610965.

Allele frequency attached by ClinVar (database versions not stated): gnomAD exomes 0.00001 and 0.00007; TOPMed 0.00003; ExAC 0.00006.

Submissions (2):

Labcorp Genetics (formerly Invitae), Labcorp
Classification: Uncertain significance for Fanconi anemia complementation group Q; Xeroderma pigmentosum, group F; Cockayne syndrome. Last evaluated: 2025-04-07. Review status: criteria provided, single submitter. Criteria: Invitae Variant Classification Sherloc (09022015). Collection method: clinical testing. Allele origin: germline.
Comment: This sequence change replaces aspartic acid, which is acidic and polar, with asparagine, which is neutral and polar, at codon 562 of the ERCC4 protein (p.Asp562Asn). This variant is present in population databases (rs55736359, gnomAD 0.1%). This variant has not been reported in the literature in individuals affected with ERCC4-related conditions. ClinVar contains an entry for this variant (Variation ID: 853493). Invitae Evidence Modeling of protein sequence and biophysical properties (such as structural, functional, and spatial information, amino acid conservation, physicochemical variation, residue mobility, and thermodynamic stability) indicates that this missense variant is not expected to disrupt ERCC4 protein function with a negative predictive value of 80%. In summary, the available evidence is currently insufficient to determine the role of this variant in disease. Therefore, it has been classified as a Variant of Uncertain Significance.

Fulgent Genetics
Classification: Uncertain significance for Xeroderma pigmentosum, group F; XFE progeroid syndrome; Fanconi anemia complementation group Q. Last evaluated: 2024-06-04. Review status: criteria provided, single submitter. Criteria: ACMG Guidelines, 2015. Collection method: clinical testing. Allele origin: germline.

NM_005236.3(ERCC4):c.1684G>A (p.Asp562Asn)

Gene: ERCC4 (ERCC excision repair 4, endonuclease catalytic subunit; plus strand). Cytogenetic location: 16p13.12.
Variant type: single nucleotide variant.
Coding change: c.1684G>A on transcript NM_005236.3 (MANE Select); coding-DNA position 1684, G replaced by A.
Protein change: p.Asp562Asn; replaces aspartic acid 562 with asparagine.
Molecular consequence: missense variant.
Genome position (GRCh38, 1-based): chr16:13,935,616, G>A. VCF-style: chr16-13935616-G-A. GRCh37 (hg19) VCF-style: chr16-14029473-G-A.
Other names: short protein forms D562N.
Identifiers: ClinVar variation 853493 (VCV000853493.8), dbSNP rs55736359, ClinGen allele CA7910512.